The following is an entry in ClinVar:

ClinVar aggregate classification (germline): Uncertain significance. Review status: criteria provided, multiple submitters, no conflicts (2 of 4 stars). 2 submissions from 2 submitters: Uncertain significance (2). Last evaluated 2022-03-27.

Conditions:
SLC35A2-congenital disorder of glycosylation. Also called: SLC35A2-CDG; CONGENITAL DISORDER OF GLYCOSYLATION, TYPE IIm; CDG IIm; CONGENITAL DISORDER OF GLYCOSYLATION, TYPE IIm, SOMATIC MOSAIC; EPILEPTIC ENCEPHALOPATHY, EARLY INFANTILE, 22; DEVELOPMENTAL AND EPILEPTIC ENCEPHALOPATHY 22. Identifiers: Orphanet 356961, MedGen C3806688, MONDO:0010478, OMIM 300896.

Allele frequency attached by ClinVar (database versions not stated): gnomAD exomes 0.00002.
gnomAD v4.1: 8 of 1,210,137 alleles (0.00066%); highest among the groups gnomAD compares: Non-Finnish European, 0.00089%; no homozygotes.

Submissions (2):

Labcorp Genetics (formerly Invitae), Labcorp
Classification: Uncertain significance for SLC35A2-congenital disorder of glycosylation. Last evaluated: 2022-03-27. Review status: criteria provided, single submitter. Criteria: Invitae Variant Classification Sherloc (09022015). Collection method: clinical testing. Allele origin: germline.
Comment: ClinVar contains an entry for this variant (Variation ID: 392307). In summary, the available evidence is currently insufficient to determine the role of this variant in disease. Therefore, it has been classified as a Variant of Uncertain Significance. Algorithms developed to predict the effect of missense changes on protein structure and function (SIFT, PolyPhen-2, Align-GVGD) all suggest that this variant is likely to be tolerated. This missense change has been observed in individual(s) with clinical features of SLC35A2-related conditions (Invitae). This variant is not present in population databases (gnomAD no frequency). This sequence change replaces glycine, which is neutral and non-polar, with valine, which is neutral and non-polar, at codon 79 of the SLC35A2 protein (p.Gly79Val).

GeneDx
Classification: Uncertain significance. Last evaluated: 2017-01-11. Review status: criteria provided, single submitter. Criteria: GeneDx Variant Classification (06012015). Collection method: clinical testing. Allele origin: germline. Affected: yes.
Comment: The G79V variant in the SLC35A2 gene has not been reported previously as a pathogenic variant, nor as a benign variant, to our knowledge. The G79V variant was not observed in approximately 6,500 individuals of European and African American ancestry in the NHLBI Exome Sequencing Project, indicating it is not a common benign variant in these populations. The G79V variant is a conservative amino acid substitution, which is not likely to impact secondary protein structure as these residues share similar properties. This substitution occurs at a position where amino acids with similar properties to Glycine are tolerated across species. In silico analysis is inconsistent in its predictions as to whether or not the variant is damaging to the protein structure/function. We interpret G79V as a variant of uncertain significance.

NM_005660.3(SLC35A2):c.236G>T (p.Gly79Val)

Gene: SLC35A2 (solute carrier family 35 member A2; minus strand). Cytogenetic location: Xp11.23.
Variant type: single nucleotide variant.
Coding change: c.236G>T on transcript NM_005660.3 (MANE Select); coding-DNA position 236, G replaced by T.
Protein change: p.Gly79Val; replaces glycine 79 with valine.
Molecular consequence: missense variant. On other transcripts: intron variant (1).
Genome position (GRCh38, 1-based): chrX:48,909,852, C>A on the plus strand (G>T on the coding strand, the complement: SLC35A2 is on the minus strand). VCF-style: chrX-48909852-C-A. GRCh37 (hg19) VCF-style: chrX-48767129-C-A.
Other names: c.236G>T, p.Gly79Val (NM_001032289.3, NM_001042498.3, NM_001282647.2); c.164G>T, p.Gly55Val (NM_001282648.2); c.275G>T, p.Gly92Val (NM_001282650.2); c.320G>T, p.Gly107Val (NM_001282651.2); c.91+1694G>T (NM_001282649.2); short protein forms G79V, G107V, G55V, G92V.
Identifiers: ClinVar variation 392307 (VCV000392307.10), dbSNP rs1057524438, ClinGen allele CA16608935.
Genomic context (GRCh38, chrX:48,909,852, plus strand): 5'-CAGCCCCATCCCTGGTTCGTACCCCTCTTCTGTGCGAAGAGCAGCAGCAGGCAGGTGAGA[C>A]CTTTGAGCACTTCCGCCATGACCACAGCAGTGGTGGCAAAGAAGCGGTCCCCTGGCAACG-3'
Protein context (NP_005651.1, residues 69-89): TAVVMAEVLK[Gly79Val]LTCLLLLFAQ